The following is an entry in ClinVar:

NM_003705.5(SLC25A12):c.1190T>C (p.Ile397Thr)

Gene: SLC25A12 (solute carrier family 25 member 12; minus strand). Cytogenetic location: 2q31.1.
Variant type: single nucleotide variant.
Coding change: c.1190T>C on transcript NM_003705.5 (MANE Select); coding-DNA position 1190, T replaced by C.
Protein change: p.Ile397Thr; replaces isoleucine 397 with threonine.
Molecular consequence: missense variant. On other transcripts: non-coding transcript variant (1).
Genome position (GRCh38, 1-based): chr2:171,810,258, A>G on the plus strand (T>C on the coding strand, the complement: SLC25A12 is on the minus strand). VCF-style: chr2-171810258-A-G. GRCh37 (hg19) VCF-style: chr2-172666768-A-G.
Other names: c.1190T>C (NM_003705.3); short protein forms I397T.
Identifiers: ClinVar variation 641173 (VCV000641173.10), dbSNP rs199764487, ClinGen allele CA60672849.
Genomic context (GRCh38, chr2:171,810,258, plus strand): 5'-ATAAATTCAGTTAGAGATAAACTTACAGTCAGTTTAATGGCCTTTTCTGGAGCAACCCCT[A>G]TAAGTTGTGGTATCAGACCTAGGTAAAGGGACAGAATCATCAGCAATATAGCTGTACCAG-3'
Protein context (NP_003696.2, residues 387-407): GLYRGLIPQL[Ile397Thr]GVAPEKAIKL

ClinVar aggregate classification (germline): Uncertain significance. Review status: criteria provided, multiple submitters, no conflicts (2 of 4 stars). 2 submissions from 2 submitters: Uncertain significance (2). Last evaluated 2024-06-03.

Conditions:
Inborn genetic diseases. Identifiers: MedGen C0950123, MeSH D030342.

Allele frequency attached by ClinVar (database versions not stated): gnomAD 0.00002; TOPMed 0.00002.
gnomAD v4.1: 21 of 1,613,486 alleles (0.0013%); highest among the groups gnomAD compares: East Asian, 0.0022%; no homozygotes.

Submissions (2):

Labcorp Genetics (formerly Invitae), Labcorp
Classification: Uncertain significance. Last evaluated: 2024-06-03. Review status: criteria provided, single submitter. Criteria: Invitae Variant Classification Sherloc (09022015). Collection method: clinical testing. Allele origin: germline.
Comment: This sequence change replaces isoleucine, which is neutral and non-polar, with threonine, which is neutral and polar, at codon 397 of the SLC25A12 protein (p.Ile397Thr). This variant is not present in population databases (gnomAD no frequency). This variant has not been reported in the literature in individuals affected with SLC25A12-related conditions. ClinVar contains an entry for this variant (Variation ID: 641173). Advanced modeling of protein sequence and biophysical properties (such as structural, functional, and spatial information, amino acid conservation, physicochemical variation, residue mobility, and thermodynamic stability) performed at Invitae indicates that this missense variant is not expected to disrupt SLC25A12 protein function with a negative predictive value of 80%. In summary, the available evidence is currently insufficient to determine the role of this variant in disease. Therefore, it has been classified as a Variant of Uncertain Significance.

Ambry Genetics
Classification: Uncertain significance for Inborn genetic diseases. Last evaluated: 2024-05-29. Review status: criteria provided, single submitter. Criteria: Ambry Variant Classification Scheme 2023. Collection method: clinical testing. Allele origin: germline.